The following is an entry in ClinVar:

NM_001103.4(ACTN2):c.971G>C (p.Arg324Pro)

Gene: ACTN2 (actinin alpha 2; plus strand). Cytogenetic location: 1q43.
Variant type: single nucleotide variant.
Coding change: c.971G>C on transcript NM_001103.4 (MANE Select); coding-DNA position 971, G replaced by C.
Protein change: p.Arg324Pro; replaces arginine 324 with proline.
Molecular consequence: missense variant.
Genome position (GRCh38, 1-based): chr1:236,739,396, G>C. VCF-style: chr1-236739396-G-C. GRCh37 (hg19) VCF-style: chr1-236902696-G-C.
Other names: c.971G>C, p.Arg324Pro (NM_001278343.2); c.347G>C, p.Arg116Pro (NM_001278344.2); short protein forms R116P, R324P.
Identifiers: ClinVar variation 863975 (VCV000863975.11), dbSNP rs1240148760, ClinGen allele CA345380402.
Genomic context (GRCh38, chr1:236,739,396, plus strand): 5'-TGGAGAACCGGACTCCCGAGAAGACCATGCAAGCCATGCAGAAGAAGCTGGAGGACTTCC[G>C]GGATTACCGCCGGAAGCACAAGCCACCCAAGGTGCAGGAGAAATGCCAGCTGGAGATCAA-3'
Protein context (NP_001094.1, residues 314-334): QAMQKKLEDF[Arg324Pro]DYRRKHKPPK

ClinVar aggregate classification (germline): Uncertain significance. Review status: criteria provided, multiple submitters, no conflicts (2 of 4 stars). 2 submissions from 2 submitters: Uncertain significance (2). Last evaluated 2025-02-06.

Conditions:
Primary familial hypertrophic cardiomyopathy (HCM). Identifiers: Orphanet 99739, MedGen C0949658, MeSH D024741, MONDO:0024573. Inheritance: Various modes of inheritance.
Dilated cardiomyopathy 1AA (CMD1AA). Also called: Cardiomyopathy, dilated, 1AA, with or without LVNC; CARDIOMYOPATHY, DILATED, 1AA, WITH OR WITHOUT LEFT VENTRICULAR NONCOMPACTION; CARDIOMYOPATHY, FAMILIAL HYPERTROPHIC, 23, WITH OR WITHOUT LEFT VENTRICULAR NONCOMPACTION. Identifiers: Orphanet 154, MedGen C2677338, MONDO:0012808, OMIM 612158.
Cardiovascular phenotype. Identifiers: MedGen CN230736.

gnomAD v4.1: 2 of 1,613,908 alleles (0.00012%); highest among the groups gnomAD compares: Non-Finnish European, 0.00017%; no homozygotes.

Submissions (2):

Labcorp Genetics (formerly Invitae), Labcorp
Classification: Uncertain significance for Primary familial hypertrophic cardiomyopathy; Dilated cardiomyopathy 1AA. Last evaluated: 2025-02-06. Review status: criteria provided, single submitter. Criteria: Invitae Variant Classification Sherloc (09022015). Collection method: clinical testing. Allele origin: germline.
Comment: This sequence change replaces arginine, which is basic and polar, with proline, which is neutral and non-polar, at codon 324 of the ACTN2 protein (p.Arg324Pro). This variant is present in population databases (no rsID available, gnomAD 0.0009%). This variant has not been reported in the literature in individuals affected with ACTN2-related conditions. ClinVar contains an entry for this variant (Variation ID: 863975). Invitae Evidence Modeling of protein sequence and biophysical properties (such as structural, functional, and spatial information, amino acid conservation, physicochemical variation, residue mobility, and thermodynamic stability) indicates that this missense variant is expected to disrupt ACTN2 protein function with a positive predictive value of 80%. In summary, the available evidence is currently insufficient to determine the role of this variant in disease. Therefore, it has been classified as a Variant of Uncertain Significance.

Ambry Genetics
Classification: Uncertain significance for Cardiovascular phenotype. Last evaluated: 2023-10-20. Review status: criteria provided, single submitter. Criteria: Ambry Variant Classification Scheme 2023. Collection method: clinical testing. Allele origin: germline.
Comment: The p.R324P variant (also known as c.971G>C), located in coding exon 10 of the ACTN2 gene, results from a G to C substitution at nucleotide position 971. The arginine at codon 324 is replaced by proline, an amino acid with dissimilar properties. This amino acid position is highly conserved in available vertebrate species. In addition, this alteration is predicted to be deleterious by in silico analysis. Since supporting evidence is limited at this time, the clinical significance of this alteration remains unclear.